The following is an entry in ClinVar:

NM_022726.4(ELOVL4):c.924T>C (p.Asn308=)

Gene: ELOVL4 (ELOVL fatty acid elongase 4; minus strand). Cytogenetic location: 6q14.1.
Variant type: single nucleotide variant.
Coding change: c.924T>C on transcript NM_022726.4 (MANE Select); coding-DNA position 924, T replaced by C.
Protein change: p.Asn308=; no amino-acid change (asparagine 308 retained).
Molecular consequence: synonymous variant.
Genome position (GRCh38, 1-based): chr6:79,916,629, A>G on the plus strand (T>C on the coding strand, the complement: ELOVL4 is on the minus strand). VCF-style: chr6-79916629-A-G. GRCh37 (hg19) VCF-style: chr6-80626346-A-G.
Other names: c.924T>C (NM_022726.3).
Identifiers: ClinVar variation 1146220 (VCV001146220.11), dbSNP rs528228676, ClinGen allele CA3901443.

ClinVar aggregate classification (germline): Likely benign. Review status: criteria provided, multiple submitters, no conflicts (2 of 4 stars). 3 submissions from 3 submitters: Likely benign (3). Last evaluated 2025-05-11.

Conditions:
ELOVL4-related disorder. Also called: ELOVL4-related disorders; ELOVL4-related condition.

Allele frequency attached by ClinVar (database versions not stated): gnomAD 0.00001 and 0.00004; TOPMed 0.00002; gnomAD exomes 0.00003 and 0.00008; ExAC 0.00008; 1000 Genomes Project 0.00020; 1000 Genomes Project 30x 0.00047.
gnomAD v4.1: 61 of 1,613,384 alleles (0.0038%); highest among the groups gnomAD compares: South Asian, 0.048%; no homozygotes.

Submissions (3):

PreventionGenetics, part of Exact Sciences
Classification: Likely benign for ELOVL4-related condition. Last evaluated: 2025-05-11. Review status: criteria provided, single submitter. Criteria: ACMG Guidelines, 2015. Collection method: clinical testing. Allele origin: germline.
Comment: This variant is classified as likely benign based on ACMG/AMP sequence variant interpretation guidelines (Richards et al. 2015 PMID: 25741868, with internal and published modifications).

Blueprint Genetics
Classification: Likely benign. Last evaluated: 2023-08-28. Review status: criteria provided, single submitter. Criteria: ACMG Guidelines, 2015. Collection method: clinical testing. Allele origin: germline.

Labcorp Genetics (formerly Invitae), Labcorp
Classification: Likely benign. Last evaluated: 2022-07-06. Review status: criteria provided, single submitter. Criteria: Invitae Variant Classification Sherloc (09022015). Collection method: clinical testing. Allele origin: germline.